The following is an entry in ClinVar:

ClinVar aggregate classification (germline): Pathogenic (1 of 4 stars; one submission).

Conditions:
Hereditary cancer-predisposing syndrome. Also called: Neoplastic Syndromes, Hereditary; Tumor predisposition; Hereditary Cancer Syndrome; Hereditary neoplastic syndrome. Identifiers: Orphanet 140162, MedGen C0027672, MeSH D009386, MONDO:0015356.

Submission:

Ambry Genetics
Classification: Pathogenic for Hereditary cancer-predisposing syndrome. Last evaluated: 2025-06-25. Review status: criteria provided, single submitter. Criteria: Ambry Variant Classification Scheme 2023. Collection method: clinical testing. Allele origin: germline.
Comment: The c.5010delT pathogenic mutation, located in coding exon 33 of the ATM gene, results from a deletion of one nucleotide at nucleotide position 5010, causing a translational frameshift with a predicted alternate stop codon (p.V1671Lfs*11). This variant is considered to be rare based on population cohorts in the Genome Aggregation Database (gnomAD). This alteration is expected to result in loss of function by premature protein truncation or nonsense-mediated mRNA decay. As such, this alteration is interpreted as a disease-causing mutation.

NM_000051.4(ATM):c.5010del (p.Val1671fs)

Gene: ATM (ATM serine/threonine kinase; plus strand). Cytogenetic location: 11q22.3.
Variant type: Deletion.
Coding change: c.5010del on transcript NM_000051.4 (MANE Select); coding-DNA position 5010, one base deleted (T; older notation c.5010delT).
Protein change: p.Val1671fs; shifts the reading frame from valine 1671.
Molecular consequence: frameshift variant.
Genome position (GRCh38, 1-based): chr11:108,299,718, T deleted. VCF-style (leftmost placement, unchanged base first): chr11-108299717-CT-C. GRCh37 (hg19) VCF-style: chr11-108170444-CT-C.
Other names: c.5010del, p.Val1671fs (NM_001351834.2); short protein forms V1671fs.
Identifiers: ClinVar variation 4168548 (VCV004168548.1).
Genomic context (GRCh38, chr11:108,299,717, plus strand): 5'-AGTTTTATGTATGATCTCTTACCTATGACTCTACTGAAATAGAATTTCTATATGTAGAGG[CT>C]GTTGGAAGCTGCTTGGGAGAAGTGGGTCCTATAGATTTCTCTACCATAGCTATACAACAT-3'